The following is an entry in ClinVar:

NM_016222.4(DDX41):c.105C>G (p.Pro35=)

Gene: DDX41 (DEAD-box helicase 41; minus strand). Cytogenetic location: 5q35.3.
Variant type: single nucleotide variant.
Coding change: c.105C>G on transcript NM_016222.4 (MANE Select); coding-DNA position 105, C replaced by G.
Protein change: p.Pro35=; no amino-acid change (proline 35 retained).
Molecular consequence: synonymous variant. On other transcripts: 5 prime UTR variant (2).
Genome position (GRCh38, 1-based): chr5:177,516,758, G>C on the plus strand (C>G on the coding strand, the complement: DDX41 is on the minus strand). VCF-style: chr5-177516758-G-C. GRCh37 (hg19) VCF-style: chr5-176943759-G-C.
Other names: c.-551C>G (NM_001321732.2); c.-343C>G (NM_001321830.2).
Identifiers: ClinVar variation 4010258 (VCV004010258.1).

ClinVar aggregate classification (germline): Uncertain significance (1 of 4 stars; one submission).

Conditions:
Inborn genetic diseases. Identifiers: MedGen C0950123, MeSH D030342.

gnomAD v4.1: 6 of 1,611,094 alleles (0.00037%); highest among the groups gnomAD compares: Non-Finnish European, 0.00051%; no homozygotes.

Submission:

Ambry Genetics
Classification: Uncertain significance for Inborn genetic diseases. Last evaluated: 2025-03-20. Review status: criteria provided, single submitter. Criteria: Ambry Variant Classification Scheme 2023. Collection method: clinical testing. Allele origin: germline.
Comment: The c.105C>G variant (also known as p.P35P), located in coding exon 2 of the DDX41 gene, results from a C to G substitution at nucleotide position 105. This nucleotide substitution does not change the amino acid at codon 35. This nucleotide position is not well conserved in available vertebrate species. In silico splice site analysis predicts that this alteration may result in the creation or strengthening of a novel splice donor site. Based on the available evidence, the clinical significance of this variant remains unclear.